The following is an entry in ClinVar:

ClinVar aggregate classification (germline): Uncertain significance. Review status: criteria provided, multiple submitters, no conflicts (2 of 4 stars). 2 submissions from 2 submitters: Uncertain significance (2). Last evaluated 2025-10-24.

Conditions:
Familial hypocalciuric hypercalcemia (FHH). Also called: Familial benign hypercalcemia. Identifiers: Orphanet 405, MedGen C1809471, MONDO:0018458.
Autosomal dominant hypocalcemia 1 (HYPOC1). Also called: HYPOCALCEMIA, FAMILIAL. Identifiers: MedGen C3715128, MONDO:0011013, OMIM 601198.

Allele frequency attached by ClinVar (database versions not stated): gnomAD exomes below 0.00001.
gnomAD v4.1: 1 of 1,614,042 alleles (0.000062%); no homozygotes.

Submissions (2):

Labcorp Genetics (formerly Invitae), Labcorp
Classification: Uncertain significance for Familial hypocalciuric hypercalcemia; Autosomal dominant hypocalcemia 1. Last evaluated: 2025-10-24. Review status: criteria provided, single submitter. Criteria: Invitae Variant Classification Sherloc (09022015). Collection method: clinical testing. Allele origin: germline.
Comment: This sequence change replaces glycine, which is neutral and non-polar, with aspartic acid, which is acidic and polar, at codon 623 of the CASR protein (p.Gly623Asp). This variant is not present in population databases (gnomAD no frequency). This missense change has been observed in individual(s) with familial hypocalciuric hypercalcemia (PMID: 17698911). ClinVar contains an entry for this variant (Variation ID: 1303130). An algorithm developed to predict the effect of missense changes on protein structure and function (PolyPhen-2) suggests that this variant is likely to be disruptive. In summary, the available evidence is currently insufficient to determine the role of this variant in disease. Therefore, it has been classified as a Variant of Uncertain Significance.

GeneDx
Classification: Uncertain significance. Last evaluated: 2019-08-19. Review status: criteria provided, single submitter. Criteria: GeneDx Variant Classification Process June 2021. Collection method: clinical testing. Allele origin: germline. Affected: yes.
Comment: Not observed in large population cohorts (Lek 2016); In silico analysis, which includes protein predictors and evolutionary conservation, supports a deleterious effect; Observed in at least one individual with clinical suspicion for familial hypocalciuric hypercalcemia (FHH) (Nissen 2007, Christensen 2008, Bertocchio 2018); This variant is associated with the following publications: (PMID: 17698911, 22192860, 23764372, 24763815, 29727008, 18410554)

Literature cited by the submitters: PubMed 17698911 (cited by Labcorp Genetics (formerly Invitae), Labcorp).

NM_000388.4(CASR):c.1868G>A (p.Gly623Asp)

Gene: CASR (calcium sensing receptor; plus strand). Cytogenetic location: 3q21.1.
Variant type: single nucleotide variant.
Coding change: c.1868G>A on transcript NM_000388.4 (MANE Select); coding-DNA position 1868, G replaced by A.
Protein change: p.Gly623Asp; replaces glycine 623 with aspartic acid.
Molecular consequence: missense variant.
Genome position (GRCh38, 1-based): chr3:122,283,822, G>A. VCF-style: chr3-122283822-G-A. GRCh37 (hg19) VCF-style: chr3-122002669-G-A.
Other names: c.1898G>A, p.Gly633Asp (NM_001178065.2); short protein forms G623D, G633D.
Identifiers: ClinVar variation 1303130 (VCV001303130.9), dbSNP rs2107649545, ClinGen allele CA354157742.